The following is an entry in ClinVar:

NM_178857.6(RP1L1):c.3058C>A (p.Gln1020Lys)

Gene: RP1L1 (RP1 like 1). Cytogenetic location: 8p23.1.
Variant type: single nucleotide variant.
Coding change: c.3058C>A on transcript NM_178857.6 (MANE Select); coding-DNA position 3058, C replaced by A.
Protein change: p.Gln1020Lys; replaces glutamine 1020 with lysine.
Molecular consequence: missense variant.
Genome position (GRCh38, 1-based): chr8:10,611,040, G>T on the plus strand (C>A on the coding strand, the complement: RP1L1 is on the minus strand). VCF-style: chr8-10611040-G-T. GRCh37 (hg19) VCF-style: chr8-10468550-G-T.
Other names: short protein forms Q1020K.
Identifiers: ClinVar variation 1801994 (VCV001801994.1), dbSNP rs369970570, ClinGen allele CA171944334.

ClinVar aggregate classification (germline): Uncertain significance (1 of 4 stars; one submission).

Allele frequency attached by ClinVar (database versions not stated): gnomAD exomes below 0.00001; gnomAD 0.00005; TOPMed 0.00006; ESP Exome Variant Server 0.00009.
gnomAD v4.1: 12 of 1,612,654 alleles (0.00074%); highest among the groups gnomAD compares: African/African-American, 0.016%; no homozygotes.

Submission:

GeneDx
Classification: Uncertain significance. Last evaluated: 2022-06-02. Review status: criteria provided, single submitter. Criteria: GeneDx Variant Classification Process June 2021. Collection method: clinical testing. Allele origin: germline. Affected: yes.
Comment: Not observed at significant frequency in large population cohorts (gnomAD); In silico analysis supports that this missense variant does not alter protein structure/function; Has not been previously published as pathogenic or benign to our knowledge